The following is an entry in ClinVar:

NM_206933.4(USH2A):c.13000C>T (p.Gln4334Ter)

Gene: USH2A (usherin; minus strand). Cytogenetic location: 1q41.
Variant type: single nucleotide variant.
Coding change: c.13000C>T on transcript NM_206933.4 (MANE Select); coding-DNA position 13000, C replaced by T.
Protein change: p.Gln4334Ter; replaces glutamine 4334 with a stop codon.
Molecular consequence: nonsense.
Genome position (GRCh38, 1-based): chr1:215,674,911, G>A on the plus strand (C>T on the coding strand, the complement: USH2A is on the minus strand). VCF-style: chr1-215674911-G-A. GRCh37 (hg19) VCF-style: chr1-215848253-G-A.
Other names: c.13000C>T (NM_206933.2); short protein forms Q4334*.
Identifiers: ClinVar variation 1453731 (VCV001453731.9), dbSNP rs367850936, ClinGen allele CA37412784.

ClinVar aggregate classification (germline): Pathogenic/Likely pathogenic. Review status: criteria provided, multiple submitters, no conflicts (2 of 4 stars). 4 submissions from 4 submitters: Pathogenic (2); Likely pathogenic (1). 1 of the submissions does not count toward it. Last evaluated 2024-12-30.

Conditions:
USH2A-related disorder. Also called: USH2A-related disorders; USH2A-related condition. Identifiers: MedGen CN239332.
Usher syndrome type 2. Also called: Usher Syndrome Type II. Identifiers: Orphanet 231178, MedGen C0339534, MONDO:0016484.
Usher syndrome type 2A. Also called: RETINAL DISEASE IN USHER SYNDROME TYPE IIA, MODIFIER OF; USHER SYNDROME, TYPE IIA. Identifiers: Orphanet 231178, Orphanet 886, MedGen C1848634, MONDO:0010169, OMIM 276901.

Allele frequency attached by ClinVar (database versions not stated): ESP Exome Variant Server 0.00008.
gnomAD v4.1: 1 of 1,614,142 alleles (0.000062%); highest among the groups gnomAD compares: Non-Finnish European, 0.000085%; no homozygotes.

Submissions (4):

Natera, Inc.
Classification: Pathogenic for Usher syndrome type 2A. Last evaluated: 2024-12-30. Review status: criteria provided, single submitter. Criteria: Natera Variant Classification Schema (03/2026). Collection method: clinical testing. Allele origin: germline.
Comment: The c.13000C>T variant in USH2A is a nonsense variant predicted to introduce a stop codon at amino acid 4334. This variant is expected to result in nonsense mediated decay, truncation, or a dysfunctional protein product. This variant is rare in the general population with a frequency below the threshold expected for the associated phenotype(s). This variant has been observed in one or more individuals affected with the associated recessive disease, as either homozygous or compound heterozygous with a second variant (PMID: 37287646). Given the available evidence, this variant is classified as Pathogenic.

Labcorp Genetics (formerly Invitae), Labcorp
Classification: Pathogenic. Last evaluated: 2023-11-27. Review status: criteria provided, single submitter. Criteria: Invitae Variant Classification Sherloc (09022015). Collection method: clinical testing. Allele origin: germline.
Comment: This sequence change creates a premature translational stop signal (p.Gln4334*) in the USH2A gene. It is expected to result in an absent or disrupted protein product. Loss-of-function variants in USH2A are known to be pathogenic (PMID: 10729113, 10909849, 20507924, 25649381). This variant is not present in population databases (gnomAD no frequency). This variant has not been reported in the literature in individuals affected with USH2A-related conditions. ClinVar contains an entry for this variant (Variation ID: 1453731). For these reasons, this variant has been classified as Pathogenic.

Blueprint Genetics
Classification: Likely pathogenic for USH2A-related disorders. Last evaluated: 2021-08-05. Review status: criteria provided, single submitter. Criteria: ACMG Guidelines, 2015. Collection method: clinical testing. Allele origin: germline. Affected: yes. Observed: 2 variant alleles.

Ophthalmo-Genetics Lab, Instituto de Oftalmologia Conde de Valenciana
Classification: Pathogenic for Usher syndrome type 2. Last evaluated: 2022-11-14. Review status: no assertion criteria provided. Collection method: clinical testing. Allele origin: germline. Inheritance: Autosomal recessive inheritance. Affected: yes. Observed: 1 compound heterozygote. Not counted in ClinVar's aggregate classification.
Comment: Novel pathogenic variant. PVS1, PM2, PP5.

Literature cited by the submitters: PubMed 37287646 (cited by Natera, Inc.); PubMed 10729113 (cited by Labcorp Genetics (formerly Invitae), Labcorp); PubMed 10909849 (cited by Labcorp Genetics (formerly Invitae), Labcorp); PubMed 20507924 (cited by Labcorp Genetics (formerly Invitae), Labcorp); PubMed 25649381 (cited by Labcorp Genetics (formerly Invitae), Labcorp); PubMed 35076463 (cited by Ophthalmo-Genetics Lab, Instituto de Oftalmologia Conde de Valenciana).